The following is an entry in ClinVar:

NM_000393.5(COL5A2):c.1717-241_1717-240insACTTT

Gene: COL5A2 (collagen type V alpha 2 chain; minus strand). Cytogenetic location: 2q32.2.
Variant type: Insertion.
Coding change: c.1717-241_1717-240insACTTT on transcript NM_000393.5 (MANE Select); 241 bases into the intron before coding-DNA position 1717 through 240 bases into the intron before coding-DNA position 1717, ACTTT inserted.
Molecular consequence: intron variant.
Genome position: GRCh38 VCF-style: chr2-189064273-C-CAAGTA. GRCh37 (hg19) VCF-style: chr2-189928999-C-CAAGTA.
Identifiers: ClinVar variation 679169 (VCV000679169.1), dbSNP rs150346155, ClinGen allele CA62601473.

ClinVar aggregate classification (germline): Benign (1 of 4 stars; one submission).

Submission:

GeneDx
Classification: Benign. Last evaluated: 2018-06-14. Review status: criteria provided, single submitter. Criteria: GeneDx Variant Classification (06012015). Collection method: clinical testing. Allele origin: germline. Affected: yes.
Comment: This variant is considered likely benign or benign based on one or more of the following criteria: it is a conservative change, it occurs at a poorly conserved position in the protein, it is predicted to be benign by multiple in silico algorithms, and/or has population frequency not consistent with disease.